The following is an entry in ClinVar:

ClinVar aggregate classification (germline): Likely benign (1 of 4 stars; one submission).

gnomAD v4.1: 8,755 of 1,610,064 alleles (0.54%); highest among the groups gnomAD compares: Non-Finnish European, 0.65%; 28 homozygotes.

Submission:

CeGaT Center for Human Genetics Tuebingen
Classification: Likely benign. Last evaluated: 2026-02-01. Review status: criteria provided, single submitter. Criteria: CeGaT Center For Human Genetics Tuebingen Variant Classification Criteria Version 2. Collection method: clinical testing. Allele origin: germline. Affected: yes. Observed: 3 variant alleles.
Comment: KIF26A: BS2

NM_015656.2(KIF26A):c.2861C>G (p.Pro954Arg)

Gene: KIF26A (kinesin family member 26A; plus strand). Cytogenetic location: 14q32.33.
Variant type: single nucleotide variant.
Coding change: c.2861C>G on transcript NM_015656.2 (MANE Select); coding-DNA position 2861, C replaced by G.
Protein change: p.Pro954Arg; replaces proline 954 with arginine.
Molecular consequence: missense variant.
Genome position (GRCh38, 1-based): chr14:104,175,649, C>G. VCF-style: chr14-104175649-C-G. GRCh37 (hg19) VCF-style: chr14-104641986-C-G.
Other names: short protein forms P954R.
Identifiers: ClinVar variation 3777877 (VCV003777877.7).